The following is an entry in ClinVar:

NM_000088.4(COL1A1):c.1623_1650del (p.Gly542fs)

Gene: COL1A1 (collagen type I alpha 1 chain; minus strand). Cytogenetic location: 17q21.33.
Variant type: Deletion.
Coding change: c.1623_1650del on transcript NM_000088.4 (MANE Select); coding-DNA positions 1623 to 1650, 28 bases deleted (TGGAAGCCCTGGCAGCCCTGGTCCTGAT).
Protein change: p.Gly542fs; shifts the reading frame from glycine 542.
Molecular consequence: frameshift variant.
Genome position (GRCh38, 1-based): chr17:50,194,148-50,194,175, ATCAGGACCAGGGCTGCCAGGGCTTCCA deleted on the plus strand (TGGAAGCCCTGGCAGCCCTGGTCCTGAT on the coding strand, the reverse complement: COL1A1 is on the minus strand). VCF-style (leftmost placement, unchanged base first): chr17-50194147-CATCAGGACCAGGGCTGCCAGGGCTTCCA-C. GRCh37 (hg19) VCF-style: chr17-48271508-CATCAGGACCAGGGCTGCCAGGGCTTCCA-C.
Other names: short protein forms G542fs.
Identifiers: ClinVar variation 4725160 (VCV004725160.1).

ClinVar aggregate classification (germline): Pathogenic (1 of 4 stars; one submission).

Conditions:
Osteogenesis imperfecta type I (OI1). Also called: Lobstein disease; Classic Non-deforming Osteogenesis Imperfecta with Blue Sclerae; OI, TYPE I; OSTEOGENESIS IMPERFECTA TARDA; OSTEOGENESIS IMPERFECTA WITH BLUE SCLERAE; Osteogenesis imperfecta type 1. Identifiers: Orphanet 216796, Orphanet 666, MedGen C0023931, MONDO:0008146, OMIM 166200. Disease mechanism: loss of function.

Submission:

Labcorp Genetics (formerly Invitae), Labcorp
Classification: Pathogenic for Osteogenesis imperfecta type I. Last evaluated: 2025-08-15. Review status: criteria provided, single submitter. Criteria: Invitae Variant Classification Sherloc (09022015). Collection method: clinical testing. Allele origin: germline.
Comment: This sequence change creates a premature translational stop signal (p.Gly542Alafs*29) in the COL1A1 gene. It is expected to result in an absent or disrupted protein product. Loss-of-function variants in COL1A1 are known to be pathogenic (PMID: 7942841, 9295084, 9443882). This variant is not present in population databases (gnomAD no frequency). This variant has not been reported in the literature in individuals affected with COL1A1-related conditions. For these reasons, this variant has been classified as Pathogenic.

Literature cited by the submitters: PubMed 7942841; PubMed 9295084; PubMed 9443882.